The following is an entry in ClinVar:

NM_001458.5(FLNC):c.3259A>C (p.Thr1087Pro)

Gene: FLNC (filamin C; plus strand). Cytogenetic location: 7q32.1.
Variant type: single nucleotide variant.
Coding change: c.3259A>C on transcript NM_001458.5 (MANE Select); coding-DNA position 3259, A replaced by C.
Protein change: p.Thr1087Pro; replaces threonine 1087 with proline.
Molecular consequence: missense variant.
Genome position (GRCh38, 1-based): chr7:128,844,724, A>C. VCF-style: chr7-128844724-A-C. GRCh37 (hg19) VCF-style: chr7-128484778-A-C.
Other names: c.3259A>C, p.Thr1087Pro (NM_001127487.2); short protein forms T1087P.
Identifiers: ClinVar variation 1284696 (VCV001284696.3), dbSNP rs1272329612, ClinGen allele CA369196323.

ClinVar aggregate classification (germline): Uncertain significance. Review status: criteria provided, single submitter (1 of 4 stars). 3 submissions from 3 submitters: Uncertain significance (1). 2 of the submissions do not count toward it. Last evaluated 2025-04-01.

Conditions:
Myofibrillar myopathy 5. Also called: Filaminopathy (type); FILAMINOPATHY, AUTOSOMAL DOMINANT. Identifiers: Orphanet 171445, MedGen C1836050, MONDO:0012289, OMIM 609524.
Distal myopathy with posterior leg and anterior hand involvement. Also called: WILLIAMS DISTAL MYOPATHY. Identifiers: Orphanet 63273, MedGen C3279722, MONDO:0013550, OMIM 614065.
Hypertrophic cardiomyopathy 26. Also called: Cardiomyopathy, familial hypertrophic, 26. Identifiers: Orphanet 75249, MedGen C4310749, MONDO:0014883, OMIM 617047.

Allele frequency attached by ClinVar (database versions not stated): gnomAD exomes below 0.00001 and 0.00001.
gnomAD v4.1: 3 of 1,613,854 alleles (0.00019%); highest among the groups gnomAD compares: Non-Finnish European, 0.00025%; no homozygotes.

Submissions (3):

Labcorp Genetics (formerly Invitae), Labcorp
Classification: Uncertain significance for Distal myopathy with posterior leg and anterior hand involvement; Myofibrillar myopathy 5; Hypertrophic cardiomyopathy 26. Last evaluated: 2025-04-01. Review status: criteria provided, single submitter. Criteria: Invitae Variant Classification Sherloc (09022015). Collection method: clinical testing. Allele origin: germline.
Comment: This sequence change replaces threonine, which is neutral and polar, with proline, which is neutral and non-polar, at codon 1087 of the FLNC protein (p.Thr1087Pro). This variant is present in population databases (no rsID available, gnomAD 0.0009%). This variant has not been reported in the literature in individuals affected with FLNC-related conditions. ClinVar contains an entry for this variant (Variation ID: 1284696). Invitae Evidence Modeling of protein sequence and biophysical properties (such as structural, functional, and spatial information, amino acid conservation, physicochemical variation, residue mobility, and thermodynamic stability) has been performed for this missense variant. However, the output from this modeling did not meet the statistical confidence thresholds required to predict the impact of this variant on FLNC protein function. In summary, the available evidence is currently insufficient to determine the role of this variant in disease. Therefore, it has been classified as a Variant of Uncertain Significance.

Clinical Genetics, Academic Medical Center
Classification: Uncertain significance. Review status: no assertion criteria provided. Collection method: clinical testing. Allele origin: germline. Affected: yes. Study: VKGL Data-share Consensus. Not counted in ClinVar's aggregate classification.

Genome Diagnostics Laboratory, University Medical Center Utrecht
Classification: Uncertain significance. Review status: no assertion criteria provided. Collection method: clinical testing. Allele origin: germline. Affected: yes. Study: VKGL Data-share Consensus. Not counted in ClinVar's aggregate classification.